The following is an entry in ClinVar:

NM_001256789.3(CACNA1F):c.4561C>G (p.Arg1521Gly)

Genes: CACNA1F (calcium voltage-gated channel subunit alpha1 F; minus strand), LOC126863257 (BRD4-independent group 4 enhancer GRCh37_chrX:49065732-49066931; plus strand). Cytogenetic location: Xp11.23.
Variant type: single nucleotide variant.
Coding change: c.4561C>G on transcript NM_001256789.3 (MANE Select); coding-DNA position 4561, C replaced by G.
Protein change: p.Arg1521Gly; replaces arginine 1521 with glycine.
Molecular consequence: missense variant.
Genome position (GRCh38, 1-based): chrX:49,210,328, G>C on the plus strand (C>G on the coding strand, the complement: CACNA1F is on the minus strand). VCF-style: chrX-49210328-G-C. GRCh37 (hg19) VCF-style: chrX-49066788-G-C.
Other names: c.4399C>G, p.Arg1467Gly (NM_001256790.3); c.4594C>G, p.Arg1532Gly (NM_005183.4); short protein forms R1467G, R1532G, R1521G.
Identifiers: ClinVar variation 866505 (VCV000866505.13), dbSNP rs1335615080, ClinGen allele CA412960741.

ClinVar aggregate classification (germline): Conflicting classifications of pathogenicity. Review status: criteria provided, conflicting classifications (1 of 4 stars). 3 submissions from 3 submitters: Likely pathogenic (2); Uncertain significance (1). Last evaluated 2022-07-19.

Conditions:
Congenital stationary night blindness 2A (CSNB2A). Also called: NIGHT BLINDNESS, CONGENITAL STATIONARY, TYPE 2; CACNA1F-Related X-Linked Congenital Stationary Night Blindness; CSNB, INCOMPLETE, X-LINKED; Night blindness, congenital stationary (incomplete), 2A, X-linked. Identifiers: Orphanet 215, MedGen C1848172, MONDO:0010241, OMIM 300071.
CACNA1F-related disorder. Also called: CACNA1F-related condition.

Allele frequency attached by ClinVar (database versions not stated): TOPMed 0.00002.

Submissions (3):

Labcorp Genetics (formerly Invitae), Labcorp
Classification: Uncertain significance. Last evaluated: 2022-07-19. Review status: criteria provided, single submitter. Criteria: Invitae Variant Classification Sherloc (09022015). Collection method: clinical testing. Allele origin: germline.
Comment: In summary, the available evidence is currently insufficient to determine the role of this variant in disease. Therefore, it has been classified as a Variant of Uncertain Significance. This variant disrupts the p.Arg1532 amino acid residue in CACNA1F. Other variant(s) that disrupt this residue have been observed in individuals with CACNA1F-related conditions (PMID: 28002560), which suggests that this may be a clinically significant amino acid residue. Algorithms developed to predict the effect of missense changes on protein structure and function are either unavailable or do not agree on the potential impact of this missense change (SIFT: "Deleterious"; PolyPhen-2: "Benign"; Align-GVGD: "Class C65"). ClinVar contains an entry for this variant (Variation ID: 866505). This missense change has been observed in individual(s) with clinical features of CACNA1F-related conditions (Invitae). This variant is not present in population databases (gnomAD no frequency). This sequence change replaces arginine, which is basic and polar, with glycine, which is neutral and non-polar, at codon 1532 of the CACNA1F protein (p.Arg1532Gly).

DBGen Ocular Genomics
Classification: Likely pathogenic for Congenital stationary night blindness 2A. Last evaluated: 2021-01-01. Review status: criteria provided, single submitter. Criteria: ACMG Guidelines, 2015. Collection method: clinical testing. Allele origin: unknown. Inheritance: X-linked inheritance. Affected: yes.
Comment: Class 4 ACMG Guidelines, 2015

Blueprint Genetics
Classification: Likely pathogenic for CACNA1F-related disorders. Last evaluated: 2018-12-17. Review status: criteria provided, single submitter. Criteria: ACMG Guidelines, 2015. Collection method: clinical testing. Allele origin: germline. Affected: yes. Observed: 2 variant alleles.

Literature cited by the submitters: PubMed 28002560 (cited by Labcorp Genetics (formerly Invitae), Labcorp).